The following is an entry in ClinVar:

NM_001080516.2(GRXCR2):c.511G>A (p.Asp171Asn)

Gene: GRXCR2 (glutaredoxin and cysteine rich domain containing 2; minus strand). Cytogenetic location: 5q32.
Variant type: single nucleotide variant.
Coding change: c.511G>A on transcript NM_001080516.2 (MANE Select); coding-DNA position 511, G replaced by A.
Protein change: p.Asp171Asn; replaces aspartic acid 171 with asparagine.
Molecular consequence: missense variant.
Genome position (GRCh38, 1-based): chr5:145,866,554, C>T on the plus strand (G>A on the coding strand, the complement: GRXCR2 is on the minus strand). VCF-style: chr5-145866554-C-T. GRCh37 (hg19) VCF-style: chr5-145246117-C-T.
Other names: short protein forms D171N.
Identifiers: ClinVar variation 2177647 (VCV002177647.4), dbSNP rs754874283, ClinGen allele CA361877567.
Genomic context (GRCh38, chr5:145,866,554, plus strand): 5'-AACGCACCTGTGTATACCGGTTTTGGGGTAATGTGCTTTCTGCCTCCACCAAAGGTCTAT[C>T]GTGCTGGTCCCTGCCTCCATAGCTTTCTTCTTTGTTCATCAGAGACTCTTCCTCAGCCTC-3'
Protein context (NP_001073985.1, residues 161-181): EESYGGRDQH[Asp171Asn]RPLVEAESTL

ClinVar aggregate classification (germline): Uncertain significance (1 of 4 stars; one submission).

Allele frequency attached by ClinVar (database versions not stated): TOPMed 0.00002.

Submission:

Labcorp Genetics (formerly Invitae), Labcorp
Classification: Uncertain significance. Last evaluated: 2021-12-21. Review status: criteria provided, single submitter. Criteria: Invitae Variant Classification Sherloc (09022015). Collection method: clinical testing. Allele origin: germline.
Comment: In summary, the available evidence is currently insufficient to determine the role of this variant in disease. Therefore, it has been classified as a Variant of Uncertain Significance. Algorithms developed to predict the effect of missense changes on protein structure and function output the following: SIFT: "Tolerated"; PolyPhen-2: "Benign"; Align-GVGD: "Class C0". The asparagine amino acid residue is found in multiple mammalian species, which suggests that this missense change does not adversely affect protein function. This variant has not been reported in the literature in individuals affected with GRXCR2-related conditions. This variant is present in population databases (no rsID available, gnomAD 0.003%). This sequence change replaces aspartic acid, which is acidic and polar, with asparagine, which is neutral and polar, at codon 171 of the GRXCR2 protein (p.Asp171Asn).